The following is an entry in ClinVar:

NM_001348323.3(TRIP12):c.1987-4del

Gene: TRIP12 (thyroid hormone receptor interactor 12; minus strand). Cytogenetic location: 2q36.3.
Variant type: Deletion.
Coding change: c.1987-4del on transcript NM_001348323.3 (MANE Select); 4 bases into the intron before coding-DNA position 1987, one base deleted (A; older notation c.1987-4delA).
Molecular consequence: intron variant.
Genome position (GRCh38, 1-based): chr2:229,811,208, T deleted on the plus strand (A on the coding strand, the reverse complement: TRIP12 is on the minus strand); the first of 7 consecutive T bases (chr2:229,811,208-229,811,214); deleting any one gives the same sequence. VCF-style (leftmost placement, unchanged base first): chr2-229811207-AT-A. GRCh37 (hg19) VCF-style: chr2-230675923-AT-A.
Other names: c.952-4del (NM_001284216.2); c.1843-4del (NM_004238.3); c.1861-4del (NM_001348331.1, NM_001348317.1, NM_001284215.2 and 2 more transcripts); c.1900-4del (NM_001348332.1); c.1987-4del (NM_001284214.2, NM_001348319.1, NM_001348333.1 and 11 more transcripts); c.1987-4delA (NM_001284214.1).
Identifiers: ClinVar variation 2672865 (VCV002672865.24), dbSNP rs748041717, ClinGen allele CA2153125.
Genomic context (GRCh38, chr2:229,811,207, plus strand): 5'-GGAAGTTGTCCACTAGGCGTGCAAAACAAAGGCAAGTGCTTTCTACTGACTTTTTATCCT[AT>A]TTTTTTAATAAAGGAAAATAAAATTTATTAGCATAAAGCATTTTCACTGTCATGTATCAC-3'

ClinVar aggregate classification (germline): Likely benign. Review status: criteria provided, single submitter (1 of 4 stars). 2 submissions from 2 submitters: Likely benign (1). 1 of the submissions does not count toward it. Last evaluated 2023-11-01.

Conditions:
TRIP12-related disorder. Also called: TRIP12-related condition.

Submissions (2):

CeGaT Center for Human Genetics Tuebingen
Classification: Likely benign. Last evaluated: 2023-11-01. Review status: criteria provided, single submitter. Criteria: CeGaT Center For Human Genetics Tuebingen Variant Classification Criteria Version 2. Collection method: clinical testing. Allele origin: germline. Affected: yes. Observed: 1 variant allele.
Comment: TRIP12: BP4

PreventionGenetics, part of Exact Sciences
Classification: Likely benign for TRIP12-related condition. Last evaluated: 2021-11-04. Review status: no assertion criteria provided. Collection method: clinical testing. Allele origin: germline. Not counted in ClinVar's aggregate classification.
Comment: This variant is classified as likely benign based on ACMG/AMP sequence variant interpretation guidelines (Richards et al. 2015 PMID: 25741868, with internal and published modifications).